The following is an entry in ClinVar:

NM_001376.5(DYNC1H1):c.2278G>T (p.Val760Phe)

Gene: DYNC1H1 (dynein cytoplasmic 1 heavy chain 1; plus strand). Cytogenetic location: 14q32.31.
Variant type: single nucleotide variant.
Coding change: c.2278G>T on transcript NM_001376.5 (MANE Select); coding-DNA position 2278, G replaced by T.
Protein change: p.Val760Phe; replaces valine 760 with phenylalanine.
Molecular consequence: missense variant.
Genome position (GRCh38, 1-based): chr14:101,986,503, G>T. VCF-style: chr14-101986503-G-T. GRCh37 (hg19) VCF-style: chr14-102452840-G-T.
Other names: short protein forms V760F.
Identifiers: ClinVar variation 2813859 (VCV002813859.3), dbSNP rs781320162, ClinGen allele CA391022531.

ClinVar aggregate classification (germline): Uncertain significance (1 of 4 stars; one submission).

Conditions:
Charcot-Marie-Tooth disease axonal type 2O. Also called: Charcot-Marie-Tooth disease, axonal, type 20; CHARCOT-MARIE-TOOTH NEUROPATHY, AXONAL, TYPE 2O; CHARCOT-MARIE-TOOTH DISEASE, AXONAL, AUTOSOMAL DOMINANT, TYPE 2O; Charcot-Marie-Tooth Neuropathy Type 2O. Identifiers: Orphanet 284232, MedGen C3280220, MONDO:0013644, OMIM 614228.

Submission:

Labcorp Genetics (formerly Invitae), Labcorp
Classification: Uncertain significance for Charcot-Marie-Tooth disease axonal type 2O. Last evaluated: 2023-01-05. Review status: criteria provided, single submitter. Criteria: Invitae Variant Classification Sherloc (09022015). Collection method: clinical testing. Allele origin: germline.
Comment: This variant is not present in population databases (gnomAD no frequency). This sequence change replaces valine, which is neutral and non-polar, with phenylalanine, which is neutral and non-polar, at codon 760 of the DYNC1H1 protein (p.Val760Phe). This variant has not been reported in the literature in individuals affected with DYNC1H1-related conditions. In summary, the available evidence is currently insufficient to determine the role of this variant in disease. Therefore, it has been classified as a Variant of Uncertain Significance. Advanced modeling of protein sequence and biophysical properties (such as structural, functional, and spatial information, amino acid conservation, physicochemical variation, residue mobility, and thermodynamic stability) performed at Invitae indicates that this missense variant is expected to disrupt DYNC1H1 protein function.